The following is an entry in ClinVar:

NM_014014.5(SNRNP200):c.5520C>G (p.Thr1840=)

Gene: SNRNP200 (small nuclear ribonucleoprotein U5 subunit 200; minus strand). Cytogenetic location: 2q11.2.
Variant type: single nucleotide variant.
Coding change: c.5520C>G on transcript NM_014014.5 (MANE Select); coding-DNA position 5520, C replaced by G.
Protein change: p.Thr1840=; no amino-acid change (threonine 1840 retained).
Molecular consequence: synonymous variant.
Genome position (GRCh38, 1-based): chr2:96,278,327, G>C on the plus strand (C>G on the coding strand, the complement: SNRNP200 is on the minus strand). VCF-style: chr2-96278327-G-C. GRCh37 (hg19) VCF-style: chr2-96944065-G-C.
Other names: c.5520C>G (NM_014014.4).
Identifiers: ClinVar variation 167713 (VCV000167713.17), dbSNP rs368225080, ClinGen allele CA234973.

ClinVar aggregate classification (germline): Conflicting classifications of pathogenicity. Review status: criteria provided, conflicting classifications (1 of 4 stars). 4 submissions from 4 submitters: Uncertain significance (1); Benign (1); Likely benign (1). 1 of the submissions does not count toward it. Last evaluated 2025-07-30.

Conditions:
SNRNP200-related disorder. Also called: SNRNP200-related condition.

Allele frequency attached by ClinVar (database versions not stated): gnomAD 0.00015 and 0.00001; gnomAD exomes 0.00037 and 0.00072; 1000 Genomes Project 30x 0.00078; 1000 Genomes Project 0.00080; ExAC 0.00082; TOPMed 0.00003.

Submissions (4):

Labcorp Genetics (formerly Invitae), Labcorp
Classification: Benign. Last evaluated: 2025-07-30. Review status: criteria provided, single submitter. Criteria: Invitae Variant Classification Sherloc (09022015). Collection method: clinical testing. Allele origin: germline.

Blueprint Genetics
Classification: Likely benign. Last evaluated: 2024-07-23. Review status: criteria provided, single submitter. Criteria: ACMG Guidelines, 2015. Collection method: clinical testing. Allele origin: germline.

Eurofins Ntd Llc (ga)
Classification: Uncertain significance. Last evaluated: 2014-01-09. Review status: criteria provided, single submitter. Criteria: EGL Classification Definitions 2015. Collection method: clinical testing. Allele origin: germline. Observed: 1 variant allele, 1 heterozygote.

PreventionGenetics, part of Exact Sciences
Classification: Benign for SNRNP200-related condition. Last evaluated: 2019-10-31. Review status: no assertion criteria provided. Collection method: clinical testing. Allele origin: germline. Not counted in ClinVar's aggregate classification.
Comment: This variant is classified as benign based on ACMG/AMP sequence variant interpretation guidelines (Richards et al. 2015 PMID: 25741868, with internal and published modifications).